The following is an entry in ClinVar:

NM_000426.4(LAMA2):c.5582del (p.Thr1861fs)

Gene: LAMA2 (laminin subunit alpha 2; plus strand). Cytogenetic location: 6q22.33.
Variant type: Deletion.
Coding change: c.5582del on transcript NM_000426.4 (MANE Select); coding-DNA position 5582, one base deleted (C; older notation c.5582delC).
Protein change: p.Thr1861fs; shifts the reading frame from threonine 1861.
Molecular consequence: frameshift variant.
Genome position (GRCh38, 1-based): chr6:129,402,343, C deleted. VCF-style (leftmost placement, unchanged base first): chr6-129402342-AC-A. GRCh37 (hg19) VCF-style: chr6-129723487-AC-A.
Other names: c.5582del, p.Thr1861fs (NM_001079823.2); short protein forms T1861fs.
Identifiers: ClinVar variation 947252 (VCV000947252.8), dbSNP rs1780027332, ClinGen allele CA1139659337.

ClinVar aggregate classification (germline): Pathogenic (1 of 4 stars; one submission).

Conditions:
LAMA2-related muscular dystrophy (LAMA2-RD). Also called: Laminin alpha 2-related dystrophy. Identifiers: MedGen C5679788, MONDO:0100228.

Submission:

Labcorp Genetics (formerly Invitae), Labcorp
Classification: Pathogenic for LAMA2-related muscular dystrophy. Last evaluated: 2024-01-04. Review status: criteria provided, single submitter. Criteria: Invitae Variant Classification Sherloc (09022015). Collection method: clinical testing. Allele origin: germline.
Comment: This sequence change creates a premature translational stop signal (p.Thr1861Ilefs*14) in the LAMA2 gene. It is expected to result in an absent or disrupted protein product. Loss-of-function variants in LAMA2 are known to be pathogenic (PMID: 18700894, 32904964). This variant is not present in population databases (gnomAD no frequency). This variant has not been reported in the literature in individuals affected with LAMA2-related conditions. ClinVar contains an entry for this variant (Variation ID: 947252). For these reasons, this variant has been classified as Pathogenic.

Literature cited by the submitters: PubMed 18700894; PubMed 32904964.